The following is an entry in ClinVar:

NM_003803.4(MYOM1):c.2991+1G>T

Gene: MYOM1 (myomesin 1; minus strand). Cytogenetic location: 18p11.31.
Variant type: single nucleotide variant.
Coding change: c.2991+1G>T on transcript NM_003803.4 (MANE Select); the canonical splice donor site of the intron after coding-DNA position 2991, G replaced by T.
Molecular consequence: splice donor variant.
Genome position (GRCh38, 1-based): chr18:3,126,700, C>A on the plus strand (G>T on the coding strand, the complement: MYOM1 is on the minus strand). VCF-style: chr18-3126700-C-A. GRCh37 (hg19) VCF-style: chr18-3126698-C-A.
Other names: c.2703+1G>T (NM_019856.2).
Identifiers: ClinVar variation 2202965 (VCV002202965.4), dbSNP rs746137610, ClinGen allele CA8874482.
Genomic context (GRCh38, chr18:3,126,700, plus strand): 5'-GGGCGTGCAAGCATAGCGTCATACATAGGACACGCCACACTACAGAAAGTCACGTGCTTA[C>A]CTTGTATGCCTCCTCACTGACAGCCTTGACATTGGCTTCTCTCCATTTTCCTGGTACCCC-3'

ClinVar aggregate classification (germline): Uncertain significance (1 of 4 stars; one submission).

Conditions:
Hypertrophic cardiomyopathy. Also called: HYPERTROPHIC MYOCARDIOPATHY. Identifiers: Orphanet 217569, MedGen C0007194, MeSH D002312, MONDO:0005045, HP:0001639.

Allele frequency attached by ClinVar (database versions not stated): gnomAD exomes below 0.00001; ExAC 0.00001; gnomAD 0.00001.

Submission:

Labcorp Genetics (formerly Invitae), Labcorp
Classification: Uncertain significance for Hypertrophic cardiomyopathy. Last evaluated: 2022-06-14. Review status: criteria provided, single submitter. Criteria: Invitae Variant Classification Sherloc (09022015). Collection method: clinical testing. Allele origin: germline.
Comment: This sequence change affects a donor splice site in intron 19 of the MYOM1 gene. It is expected to disrupt RNA splicing. Variants that disrupt the donor or acceptor splice site typically lead to a loss of protein function (PMID: 16199547), however the current clinical and genetic evidence is not sufficient to establish whether loss-of-function variants in MYOM1 cause disease. The frequency data for this variant in the population databases is considered unreliable, as metrics indicate poor data quality at this position in the gnomAD database. This variant has not been reported in the literature in individuals affected with MYOM1-related conditions. Algorithms developed to predict the effect of sequence changes on RNA splicing suggest that this variant may disrupt the consensus splice site. In summary, the available evidence is currently insufficient to determine the role of this variant in disease. Therefore, it has been classified as a Variant of Uncertain Significance.

Literature cited by the submitters: PubMed 16199547.